The following is an entry in ClinVar:

ClinVar aggregate classification (germline): Conflicting classifications of pathogenicity. Review status: criteria provided, conflicting classifications (1 of 4 stars). 4 submissions from 4 submitters: Uncertain significance (3); Likely benign (1). Last evaluated 2026-09-21.

Conditions:
Cardiovascular phenotype. Identifiers: MedGen CN230736.
Cardiomyopathy (CMYO). Also called: Cardiomyopathies. Identifiers: Orphanet 167848, MedGen C0878544, MONDO:0004994, HP:0001638. Inheritance: Various modes of inheritance.
Catecholaminergic polymorphic ventricular tachycardia 1. Also called: RYR2-Related Catecholaminergic Polymorphic Ventricular Tachycardia; VENTRICULAR TACHYCARDIA, CATECHOLAMINERGIC POLYMORPHIC, 1, WITH OR WITHOUT ATRIAL DYSFUNCTION AND/OR DILATED CARDIOMYOPATHY; VENTRICULAR TACHYCARDIA, STRESS-INDUCED POLYMORPHIC 1. Identifiers: Orphanet 3286, MedGen C1631597, MONDO:0011484, OMIM 604772.

Allele frequency attached by ClinVar (database versions not stated): gnomAD 0.00001; ExAC 0.00002; gnomAD exomes 0.00002.
gnomAD v4.1: 17 of 1,613,108 alleles (0.0011%); highest among the groups gnomAD compares: East Asian, 0.0067%; no homozygotes.

Submissions (4):

Molecular Diagnostic Laboratory for Inherited Cardiovascular Disease, Montreal Heart Institute
Classification: Uncertain significance for Cardiovascular phenotype. Last evaluated: 2026-09-21. Review status: criteria provided, single submitter. Criteria: ACMG Guidelines, 2015. Collection method: clinical testing. Allele origin: germline. Affected: yes.
Comment: PM2, PP2

Labcorp Genetics (formerly Invitae), Labcorp
Classification: Likely benign for Catecholaminergic polymorphic ventricular tachycardia 1. Last evaluated: 2025-11-21. Review status: criteria provided, single submitter. Criteria: Invitae Variant Classification Sherloc (09022015). Collection method: clinical testing. Allele origin: germline.

Ambry Genetics
Classification: Uncertain significance for Cardiovascular phenotype. Last evaluated: 2025-11-13. Review status: criteria provided, single submitter. Criteria: Ambry Variant Classification Scheme 2023. Collection method: clinical testing. Allele origin: germline.
Comment: The c.5977C>T (p.R1993C) alteration is located in exon 39 (coding exon 39) of the RYR2 gene. This alteration results from a C to T substitution at nucleotide position 5977, causing the arginine (R) at amino acid position 1993 to be replaced by a cysteine (C). Based on data from gnomAD, the T allele has an overall frequency of 0.002% (6/280558) total alleles studied. The highest observed frequency was 0.012% (3/24198) of African alleles. Based on insufficient or conflicting evidence, the clinical significance of this alteration remains unclear.

Color Diagnostics, LLC DBA Color Health
Classification: Uncertain significance for Cardiomyopathy. Last evaluated: 2024-04-03. Review status: criteria provided, single submitter. Criteria: ACMG Guidelines, 2015. Collection method: clinical testing. Allele origin: germline.
Comment: This missense variant replaces arginine with cysteine at codon 1993 of the RYR2 protein. Computational prediction suggests that this variant may not impact protein structure and function (internally defined REVEL score threshold <= 0.5, PMID: 27666373). To our knowledge, functional studies have not been reported for this variant. This variant has not been reported in individuals affected with RYR2-related disorders in the literature. This variant has been identified in 6/280558 chromosomes in the general population by the Genome Aggregation Database (gnomAD). The available evidence is insufficient to determine the role of this variant in disease conclusively. Therefore, this variant is classified as a Variant of Uncertain Significance.

NM_001035.3(RYR2):c.5977C>T (p.Arg1993Cys)

Gene: RYR2 (ryanodine receptor 2; plus strand). Cytogenetic location: 1q43.
Variant type: single nucleotide variant.
Coding change: c.5977C>T on transcript NM_001035.3 (MANE Select); coding-DNA position 5977, C replaced by T.
Protein change: p.Arg1993Cys; replaces arginine 1993 with cysteine.
Molecular consequence: missense variant.
Genome position (GRCh38, 1-based): chr1:237,623,825, C>T. VCF-style: chr1-237623825-C-T. GRCh37 (hg19) VCF-style: chr1-237787125-C-T.
Other names: c.5977C>T, p.Arg1993Cys (LRG_402t1); short protein forms R1993C.
Identifiers: ClinVar variation 519472 (VCV000519472.14), dbSNP rs767406030, ClinGen allele CA087013.